The following is an entry in ClinVar:

NM_017617.5(NOTCH1):c.7507C>T (p.Gln2503Ter)

Gene: NOTCH1 (notch receptor 1; minus strand). Cytogenetic location: 9q34.3.
Variant type: single nucleotide variant.
Coding change: c.7507C>T on transcript NM_017617.5 (MANE Select); coding-DNA position 7507, C replaced by T.
Protein change: p.Gln2503Ter; replaces glutamine 2503 with a stop codon.
Molecular consequence: nonsense.
Genome position (GRCh38, 1-based): chr9:136,496,232, G>A on the plus strand (C>T on the coding strand, the complement: NOTCH1 is on the minus strand). VCF-style: chr9-136496232-G-A. GRCh37 (hg19) VCF-style: chr9-139390684-G-A.
Other names: short protein forms Q2503*.
Identifiers: ClinVar variation 2020162 (VCV002020162.4), dbSNP rs1842911122, ClinGen allele CA375626057.

ClinVar aggregate classification (germline): Uncertain significance (1 of 4 stars; one submission).

Conditions:
Adams-Oliver syndrome 5 (AOS5). Identifiers: Orphanet 974, MedGen C4014970, MONDO:0014459, OMIM 616028.

Allele frequency attached by ClinVar (database versions not stated): gnomAD exomes below 0.00001.

Submission:

Labcorp Genetics (formerly Invitae), Labcorp
Classification: Uncertain significance for Adams-Oliver syndrome 5. Last evaluated: 2022-07-29. Review status: criteria provided, single submitter. Criteria: Invitae Variant Classification Sherloc (09022015). Collection method: clinical testing. Allele origin: germline.
Comment: This sequence change creates a premature translational stop signal (p.Gln2503*) in the NOTCH1 gene. While this is not anticipated to result in nonsense mediated decay, it is expected to disrupt the last 53 amino acid(s) of the NOTCH1 protein. This variant is not present in population databases (gnomAD no frequency). This variant has not been reported in the literature in individuals affected with NOTCH1-related conditions. Experimental studies and prediction algorithms are not available or were not evaluated, and the functional significance of this variant is currently unknown. In summary, the available evidence is currently insufficient to determine the role of this variant in disease. Therefore, it has been classified as a Variant of Uncertain Significance.